The following is an entry in ClinVar:

NM_006087.4(TUBB4A):c.755A>G (p.Lys252Arg)

Gene: TUBB4A (tubulin beta 4A class IVa; minus strand). Cytogenetic location: 19p13.3.
Variant type: single nucleotide variant.
Coding change: c.755A>G on transcript NM_006087.4 (MANE Select); coding-DNA position 755, A replaced by G.
Protein change: p.Lys252Arg; replaces lysine 252 with arginine.
Molecular consequence: missense variant.
Genome position (GRCh38, 1-based): chr19:6,495,744, T>C on the plus strand (A>G on the coding strand, the complement: TUBB4A is on the minus strand). VCF-style: chr19-6495744-T-C. GRCh37 (hg19) VCF-style: chr19-6495755-T-C.
Other names: c.908A>G, p.Lys303Arg (NM_001289123.2); c.890A>G, p.Lys297Arg (NM_001289127.2); c.755A>G, p.Lys252Arg (NM_001289129.2); c.539A>G, p.Lys180Arg (NM_001289130.2, NM_001289131.2); short protein forms K297R, K252R, K180R, K303R.
Identifiers: ClinVar variation 2843042 (VCV002843042.3), dbSNP rs2512753517, ClinGen allele CA403591147.
Genomic context (GRCh38, chr19:6,495,744, plus strand): 5'-GGTGCGAAGCCGGGCATGAAGAAGTGCAGGCGAGGAAAGGGAACCATGTTGACGGCCAGC[T>C]TGCGCAGGTCGGCGTTCAGCTGGCCCGGGAAGCGCAGGCAGGTGGTGACCCCGCTCATGG-3'
Protein context (NP_006078.2, residues 242-262): FPGQLNADLR[Lys252Arg]LAVNMVPFPR

ClinVar aggregate classification (germline): Pathogenic (1 of 4 stars; one submission).

Conditions:
Leukodystrophy, hypomyelinating, 6. Also called: LEUKODYSTROPHY, HYPOMYELINATING, WITH ATROPHY OF THE BASAL GANGLIA AND CEREBELLUM; TUBB4A-Associated Leukodystrophy; Hypomyelination with Atrophy of Basal Ganglia and Cerebellum (H-ABC). Identifiers: Orphanet 139441, MedGen C2676244, MONDO:0012905, OMIM 612438.

Submission:

Labcorp Genetics (formerly Invitae), Labcorp
Classification: Pathogenic for Leukodystrophy, hypomyelinating, 6. Last evaluated: 2023-05-18. Review status: criteria provided, single submitter. Criteria: Invitae Variant Classification Sherloc (09022015). Collection method: clinical testing. Allele origin: germline.
Comment: This sequence change replaces lysine, which is basic and polar, with arginine, which is basic and polar, at codon 252 of the TUBB4A protein (p.Lys252Arg). For these reasons, this variant has been classified as Pathogenic. Advanced modeling of protein sequence and biophysical properties (such as structural, functional, and spatial information, amino acid conservation, physicochemical variation, residue mobility, and thermodynamic stability) performed at Invitae indicates that this missense variant is expected to disrupt TUBB4A protein function. This missense change has been observed in individual(s) with TUBB4A-related conditions (Invitae). In at least one individual the variant was observed to be de novo. This variant is not present in population databases (gnomAD no frequency).